The following is an entry in ClinVar:

NM_147127.5(EVC2):c.2918A>T (p.Gln973Leu)

Gene: EVC2 (EvC ciliary complex subunit 2; minus strand). Cytogenetic location: 4p16.2.
Variant type: single nucleotide variant.
Coding change: c.2918A>T on transcript NM_147127.5 (MANE Select); coding-DNA position 2918, A replaced by T.
Protein change: p.Gln973Leu; replaces glutamine 973 with leucine.
Molecular consequence: missense variant.
Genome position (GRCh38, 1-based): chr4:5,584,762, T>A on the plus strand (A>T on the coding strand, the complement: EVC2 is on the minus strand). VCF-style: chr4-5584762-T-A. GRCh37 (hg19) VCF-style: chr4-5586489-T-A.
Other names: c.2678A>T, p.Gln893Leu (NM_001166136.2); short protein forms Q893L, Q973L.
Identifiers: ClinVar variation 3759399 (VCV003759399.2).

ClinVar aggregate classification (germline): Uncertain significance (1 of 4 stars; one submission).

Conditions:
Curry-Hall syndrome (WAD). Also called: WEYERS ACRODENTAL DYSOSTOSIS. Identifiers: Orphanet 952, MedGen C0457013, MONDO:0008673, OMIM 193530.
Ellis-van Creveld syndrome (EVC). Also called: EVC-Related Ellis-van Creveld Syndrome; EVC2-Related Ellis-van Creveld Syndrome; MESOECTODERMAL DYSPLASIA; Chondroectodermal dysplasia. Identifiers: Orphanet 289, MedGen C0013903, MONDO:0009162, OMIM 225500.

gnomAD v4.1: 1 of 1,614,196 alleles (0.000062%); highest among the groups gnomAD compares: South Asian, 0.0011%; no homozygotes.

Submission:

Labcorp Genetics (formerly Invitae), Labcorp
Classification: Uncertain significance for Curry-Hall syndrome; Ellis-van Creveld syndrome. Last evaluated: 2024-11-22. Review status: criteria provided, single submitter. Criteria: Invitae Variant Classification Sherloc (09022015). Collection method: clinical testing. Allele origin: germline.
Comment: This sequence change replaces glutamine, which is neutral and polar, with leucine, which is neutral and non-polar, at codon 973 of the EVC2 protein (p.Gln973Leu). The frequency data for this variant in the population databases is considered unreliable, as metrics indicate poor data quality at this position in the gnomAD database. This variant has not been reported in the literature in individuals affected with EVC2-related conditions. An algorithm developed to predict the effect of missense changes on protein structure and function (PolyPhen-2) suggests that this variant is likely to be disruptive. In summary, the available evidence is currently insufficient to determine the role of this variant in disease. Therefore, it has been classified as a Variant of Uncertain Significance.